The following is an entry in ClinVar:

NM_017672.6(TRPM7):c.5360+4A>G

Gene: TRPM7 (transient receptor potential cation channel subfamily M member 7; minus strand). Cytogenetic location: 15q21.2.
Variant type: single nucleotide variant.
Coding change: c.5360+4A>G on transcript NM_017672.6 (MANE Select); 4 bases into the intron after coding-DNA position 5360, A replaced by G.
Molecular consequence: intron variant.
Genome position (GRCh38, 1-based): chr15:50,570,100, T>C on the plus strand (A>G on the coding strand, the complement: TRPM7 is on the minus strand). VCF-style: chr15-50570100-T-C. GRCh37 (hg19) VCF-style: chr15-50862297-T-C.
Other names: NC_000015.9:g.50862297T>C; c.5357+4A>G (NM_001301212.2).
Identifiers: ClinVar variation 3025313 (VCV003025313.23), dbSNP rs201159511, ClinGen allele CA7556641.

ClinVar aggregate classification (germline): Benign (1 of 4 stars; one submission).

Allele frequency attached by ClinVar (database versions not stated): gnomAD exomes 0.00004; ExAC 0.00014; 1000 Genomes Project 30x 0.00016; 1000 Genomes Project 0.00020; gnomAD 0.00030; ESP Exome Variant Server 0.00034; TOPMed 0.00070.
gnomAD v4.1: 129 of 1,610,294 alleles (0.008%); highest among the groups gnomAD compares: African/African-American, 0.11%; no homozygotes.

Submissions (3):

CeGaT Center for Human Genetics Tuebingen
Classification: Benign. Last evaluated: 2023-12-01. Review status: criteria provided, single submitter. Criteria: CeGaT Center For Human Genetics Tuebingen Variant Classification Criteria Version 2. Collection method: clinical testing. Allele origin: germline. Affected: yes. Observed: 1 variant allele.
Comment: TRPM7: BS1, BS2

Dr. Peter K. Rogan Lab, Western University
No classification provided (evidence only). Condition: Familial cancer of breast. Review status: no classification provided. Collection method: in vitro. Allele origin: not applicable. Functional consequence: retained intron. Not counted in ClinVar's aggregate classification.

Dr. Peter K. Rogan Lab, Western University
No classification provided (evidence only). Condition: Sarcoma. Review status: no classification provided. Collection method: in vitro. Allele origin: not applicable. Functional consequence: retained intron. Not counted in ClinVar's aggregate classification.